The following is an entry in ClinVar:

ClinVar aggregate classification (germline): Likely benign (1 of 4 stars; one submission).

Allele frequency attached by ClinVar (database versions not stated): ExAC 0.00001; gnomAD 0.00001; gnomAD exomes 0.00001; TOPMed 0.00001.
gnomAD v4.1: 6 of 1,613,904 alleles (0.00037%); highest among the groups gnomAD compares: Non-Finnish European, 0.00042%; no homozygotes.

Submission:

CeGaT Center for Human Genetics Tuebingen
Classification: Likely benign. Last evaluated: 2024-06-01. Review status: criteria provided, single submitter. Criteria: CeGaT Center For Human Genetics Tuebingen Variant Classification Criteria Version 2. Collection method: clinical testing. Allele origin: germline. Affected: yes. Observed: 1 variant allele.
Comment: ASXL3: BP4

NM_030632.3(ASXL3):c.5920G>A (p.Glu1974Lys)

Gene: ASXL3 (ASXL transcriptional regulator 3; plus strand). Cytogenetic location: 18q12.1.
Variant type: single nucleotide variant.
Coding change: c.5920G>A on transcript NM_030632.3 (MANE Select); coding-DNA position 5920, G replaced by A.
Protein change: p.Glu1974Lys; replaces glutamic acid 1974 with lysine.
Molecular consequence: missense variant.
Genome position (GRCh38, 1-based): chr18:33,745,768, G>A. VCF-style: chr18-33745768-G-A. GRCh37 (hg19) VCF-style: chr18-31325732-G-A.
Other names: short protein forms E1974K.
Identifiers: ClinVar variation 3250946 (VCV003250946.18), dbSNP rs768141720.